The following is an entry in ClinVar:

ClinVar aggregate classification (germline): Conflicting classifications of pathogenicity. Review status: criteria provided, conflicting classifications (1 of 4 stars). 2 submissions from 2 submitters: Uncertain significance (1); Likely benign (1). Last evaluated 2025-07-25.

Conditions:
Hereditary cancer-predisposing syndrome. Also called: Tumor predisposition; Hereditary neoplastic syndrome; Hereditary Cancer Syndrome; Neoplastic Syndromes, Hereditary. Identifiers: Orphanet 140162, MedGen C0027672, MeSH D009386, MONDO:0015356.
Oligodontia-cancer predisposition syndrome. Also called: TOOTH AGENESIS-COLORECTAL CANCER SYNDROME. Identifiers: Orphanet 300576, MedGen C1837750, MONDO:0012075, OMIM 608615. Disease mechanism: loss of function.

gnomAD v4.1: 1 of 1,588,684 alleles (0.000063%); highest among the groups gnomAD compares: Admixed American, 0.0018%; no homozygotes.

Submissions (2):

Ambry Genetics
Classification: Likely benign for Hereditary cancer-predisposing syndrome. Last evaluated: 2025-07-25. Review status: criteria provided, single submitter. Criteria: Ambry Variant Classification Scheme 2023. Collection method: clinical testing. Allele origin: germline.

Labcorp Genetics (formerly Invitae), Labcorp
Classification: Uncertain significance for Oligodontia-cancer predisposition syndrome. Last evaluated: 2022-12-02. Review status: criteria provided, single submitter. Criteria: Invitae Variant Classification Sherloc (09022015). Collection method: clinical testing. Allele origin: germline.
Comment: This variant has not been reported in the literature in individuals affected with AXIN2-related conditions. This variant is not present in population databases (gnomAD no frequency). This sequence change replaces glutamic acid, which is acidic and polar, with aspartic acid, which is acidic and polar, at codon 415 of the AXIN2 protein (p.Glu415Asp). Advanced modeling of protein sequence and biophysical properties (such as structural, functional, and spatial information, amino acid conservation, physicochemical variation, residue mobility, and thermodynamic stability) performed at Invitae indicates that this missense variant is not expected to disrupt AXIN2 protein function. In summary, the available evidence is currently insufficient to determine the role of this variant in disease. Therefore, it has been classified as a Variant of Uncertain Significance.

NM_004655.4(AXIN2):c.1245G>C (p.Glu415Asp)

Gene: AXIN2 (axin 2; minus strand). Cytogenetic location: 17q24.1.
Variant type: single nucleotide variant.
Coding change: c.1245G>C on transcript NM_004655.4 (MANE Select); coding-DNA position 1245, G replaced by C.
Protein change: p.Glu415Asp; replaces glutamic acid 415 with aspartic acid.
Molecular consequence: missense variant.
Genome position (GRCh38, 1-based): chr17:65,537,791, C>G on the plus strand (G>C on the coding strand, the complement: AXIN2 is on the minus strand). VCF-style: chr17-65537791-C-G. GRCh37 (hg19) VCF-style: chr17-63533909-C-G.
Other names: c.1245G>C, p.Glu415Asp (NM_001363813.1); short protein forms E415D.
Identifiers: ClinVar variation 2961780 (VCV002961780.4), dbSNP rs1470769065, ClinGen allele CA400677888.